The following is an entry in ClinVar:

ClinVar aggregate classification (germline): Uncertain significance (1 of 4 stars; one submission).

Allele frequency attached by ClinVar (database versions not stated): TOPMed below 0.00001; gnomAD 0.00001; gnomAD exomes 0.00001.
gnomAD v4.1: 10 of 1,562,716 alleles (0.00064%); highest among the groups gnomAD compares: Non-Finnish European, 0.00017%; no homozygotes.

Submission:

Labcorp Genetics (formerly Invitae), Labcorp
Classification: Uncertain significance. Last evaluated: 2022-05-30. Review status: criteria provided, single submitter. Criteria: Invitae Variant Classification Sherloc (09022015). Collection method: clinical testing. Allele origin: germline.
Comment: In summary, the available evidence is currently insufficient to determine the role of this variant in disease. Therefore, it has been classified as a Variant of Uncertain Significance. This sequence change replaces tryptophan, which is neutral and slightly polar, with arginine, which is basic and polar, at codon 48 of the GNMT protein (p.Trp48Arg). This variant is present in population databases (no rsID available, gnomAD 0.01%). This variant has not been reported in the literature in individuals affected with GNMT-related conditions. Algorithms developed to predict the effect of missense changes on protein structure and function are either unavailable or do not agree on the potential impact of this missense change (SIFT: "Not Available"; PolyPhen-2: "Probably Damaging"; Align-GVGD: "Not Available").

NM_018960.6(GNMT):c.142T>C (p.Trp48Arg)

Genes: GNMT (glycine N-methyltransferase; plus strand), CNPY3-GNMT (CNPY3-GNMT readthrough; plus strand). Cytogenetic location: 6p21.1.
Variant type: single nucleotide variant.
Coding change: c.142T>C on transcript NM_018960.6 (MANE Select); coding-DNA position 142, T replaced by C.
Protein change: p.Trp48Arg; replaces tryptophan 48 with arginine.
Molecular consequence: missense variant. On other transcripts: non-coding transcript variant (1), intron variant (3).
Genome position (GRCh38, 1-based): chr6:42,960,909, T>C. VCF-style: chr6-42960909-T-C. GRCh37 (hg19) VCF-style: chr6-42928647-T-C.
Other names: c.142T>C, p.Trp48Arg (NM_001318865.2); c.9-1303T>C (NM_001318856.2); c.152-1853T>C (NM_001318857.2, NM_001318858.2); short protein forms W48R.
Identifiers: ClinVar variation 1957298 (VCV001957298.5), dbSNP rs1055158308, ClinGen allele CA138216114.